The following is an entry in ClinVar:

ClinVar aggregate classification (germline): Uncertain significance (1 of 4 stars; one submission).

Conditions:
Susceptibility to respiratory infections associated with CD8alpha chain mutation (IMD116). Also called: IMMUNODEFICIENCY 116; Cd8 deficiency, familial. Identifiers: Orphanet 169085, MedGen C1837065, MONDO:0012161, OMIM 608957.

Allele frequency attached by ClinVar (database versions not stated): ExAC 0.00002.
gnomAD v4.1: 6 of 1,612,720 alleles (0.00037%); highest among the groups gnomAD compares: South Asian, 0.0033%; no homozygotes.

Submission:

Labcorp Genetics (formerly Invitae), Labcorp
Classification: Uncertain significance for Susceptibility to respiratory infections associated with CD8alpha chain mutation. Last evaluated: 2022-08-03. Review status: criteria provided, single submitter. Criteria: Invitae Variant Classification Sherloc (09022015). Collection method: clinical testing. Allele origin: germline.
Comment: In summary, the available evidence is currently insufficient to determine the role of this variant in disease. Therefore, it has been classified as a Variant of Uncertain Significance. Algorithms developed to predict the effect of missense changes on protein structure and function (SIFT, PolyPhen-2, Align-GVGD) all suggest that this variant is likely to be disruptive. This variant has not been reported in the literature in individuals affected with CD8A-related conditions. The frequency data for this variant in the population databases is considered unreliable, as metrics indicate poor data quality at this position in the gnomAD database. This sequence change replaces arginine, which is basic and polar, with tryptophan, which is neutral and slightly polar, at codon 219 of the CD8A protein (p.Arg219Trp).

NM_001768.7(CD8A):c.655C>T (p.Arg219Trp)

Genes: CD8A (CD8 subunit alpha; minus strand), LOC106699567 (CD8A intronic regulatory region; plus strand). Cytogenetic location: 2p11.2.
Variant type: single nucleotide variant.
Coding change: c.655C>T on transcript NM_001768.7 (MANE Select); coding-DNA position 655, C replaced by T.
Protein change: p.Arg219Trp; replaces arginine 219 with tryptophan.
Molecular consequence: missense variant. On other transcripts: non-coding transcript variant (4).
Genome position (GRCh38, 1-based): chr2:86,788,531, G>A on the plus strand (C>T on the coding strand, the complement: CD8A is on the minus strand). VCF-style: chr2-86788531-G-A. GRCh37 (hg19) VCF-style: chr2-87015654-G-A.
Other names: c.655C>T, p.Arg219Trp (NM_001145873.1, NM_001382698.1); c.544C>T, p.Arg182Trp (NM_171827.4); short protein forms R182W, R219W.
Identifiers: ClinVar variation 1942997 (VCV001942997.4), dbSNP rs770405273, ClinGen allele CA1751103.